The following is an entry in ClinVar:

ClinVar aggregate classification (germline): Uncertain significance (1 of 4 stars; one submission).

gnomAD v4.1: 33 of 1,523,886 alleles (0.0022%); highest among the groups gnomAD compares: Non-Finnish European, 0.0026%; no homozygotes.

Submission:

Labcorp Genetics (formerly Invitae), Labcorp
Classification: Uncertain significance. Last evaluated: 2024-06-05. Review status: criteria provided, single submitter. Criteria: Invitae Variant Classification Sherloc (09022015). Collection method: clinical testing. Allele origin: germline.
Comment: This sequence change replaces glycine, which is neutral and non-polar, with aspartic acid, which is acidic and polar, at codon 2081 of the NOTCH3 protein (p.Gly2081Asp). This variant is not present in population databases (gnomAD no frequency). This variant has not been reported in the literature in individuals affected with NOTCH3-related conditions. Advanced modeling of protein sequence and biophysical properties (such as structural, functional, and spatial information, amino acid conservation, physicochemical variation, residue mobility, and thermodynamic stability) performed at Invitae indicates that this missense variant is not expected to disrupt NOTCH3 protein function with a negative predictive value of 95%. In summary, the available evidence is currently insufficient to determine the role of this variant in disease. Therefore, it has been classified as a Variant of Uncertain Significance.

NM_000435.3(NOTCH3):c.6242G>A (p.Gly2081Asp)

Gene: NOTCH3 (notch receptor 3; minus strand). Cytogenetic location: 19p13.12.
Variant type: single nucleotide variant.
Coding change: c.6242G>A on transcript NM_000435.3 (MANE Select); coding-DNA position 6242, G replaced by A.
Protein change: p.Gly2081Asp; replaces glycine 2081 with aspartic acid.
Molecular consequence: missense variant.
Genome position (GRCh38, 1-based): chr19:15,161,386, C>T on the plus strand (G>A on the coding strand, the complement: NOTCH3 is on the minus strand). VCF-style: chr19-15161386-C-T. GRCh37 (hg19) VCF-style: chr19-15272197-C-T.
Other names: short protein forms G2081D.
Identifiers: ClinVar variation 3612837 (VCV003612837.1).